The following is an entry in ClinVar:

ClinVar aggregate classification (germline): Uncertain significance (1 of 4 stars; one submission).

Conditions:
Immunodeficiency 35 (IMD35). Also called: TYK2 DEFICIENCY; Susceptibility to infection due to TYK2 deficiency; HIES WITH ATYPICAL MYCOBACTERIOSIS, AUTOSOMAL RECESSIVE; HYPER-IgE SYNDROME WITH ATYPICAL MYCOBACTERIOSIS, AUTOSOMAL RECESSIVE. Identifiers: Orphanet 331226, MedGen C1969086, MONDO:0012682, OMIM 611521.

Submission:

Labcorp Genetics (formerly Invitae), Labcorp
Classification: Uncertain significance for Immunodeficiency 35. Last evaluated: 2022-06-26. Review status: criteria provided, single submitter. Criteria: Invitae Variant Classification Sherloc (09022015). Collection method: clinical testing. Allele origin: germline.
Comment: This variant results in a copy number gain of the genomic region encompassing exon(s) 3 of the TYK2 gene. This region includes the initiator codon of the gene. This copy number gain extends beyond the assayed region for this gene and therefore may encompass additional genes. As the precise location of this event is unknown, it may be in tandem or it may be located elsewhere in the genome. This variant has not been reported in the literature in individuals affected with TYK2-related conditions. In summary, the available evidence is currently insufficient to determine the role of this variant in disease. Therefore, it has been classified as a Variant of Uncertain Significance.

NC_000019.9:g.(?_10488870)_(10489082_?)dup

Gene: TYK2 (tyrosine kinase 2; minus strand). Cytogenetic location: 19p13.2.
Variant type: Duplication.
Identifiers: ClinVar variation 1512108 (VCV001512108.4).